The following is an entry in ClinVar:

NM_004539.4(NARS1):c.1175A>C (p.Asn392Thr)

Gene: NARS1 (asparaginyl-tRNA synthetase 1; minus strand). Cytogenetic location: 18q21.31.
Variant type: single nucleotide variant.
Coding change: c.1175A>C on transcript NM_004539.4 (MANE Select); coding-DNA position 1175, A replaced by C.
Protein change: p.Asn392Thr; replaces asparagine 392 with threonine.
Molecular consequence: missense variant.
Genome position (GRCh38, 1-based): chr18:57,605,933, T>G on the plus strand (A>C on the coding strand, the complement: NARS1 is on the minus strand). VCF-style: chr18-57605933-T-G. GRCh37 (hg19) VCF-style: chr18-55273165-T-G.
Other names: short protein forms N392T.
Identifiers: ClinVar variation 2662109 (VCV002662109.1), dbSNP rs2511569006, ClinGen allele CA402545583.

ClinVar aggregate classification (germline): Uncertain significance (1 of 4 stars; one submission).

Submission:

GeneDx
Classification: Uncertain significance. Last evaluated: 2023-04-14. Review status: criteria provided, single submitter. Criteria: GeneDx Variant Classification Process June 2021. Collection method: clinical testing. Allele origin: germline. Affected: yes.
Comment: Not observed at significant frequency in large population cohorts (gnomAD); In silico analysis supports that this missense variant does not alter protein structure/function; Has not been previously published as pathogenic or benign to our knowledge